The following is an entry in ClinVar:

ClinVar aggregate classification (germline): Uncertain significance. Review status: criteria provided, single submitter (1 of 4 stars). 2 submissions from 2 submitters: Uncertain significance (1). 1 of the submissions does not count toward it. Last evaluated 2025-01-21.

Conditions:
Developmental and epileptic encephalopathy, 62. Also called: Early infantile epileptic encephalopathy 62. Identifiers: MedGen C4693699, MONDO:0033371, OMIM 617938.

Allele frequency attached by ClinVar (database versions not stated): TOPMed below 0.00001; gnomAD 0.00001.
gnomAD v4.1: 2 of 1,613,888 alleles (0.00012%); highest among the groups gnomAD compares: Non-Finnish European, 0.00017%; no homozygotes.

Submissions (2):

GeneDx
Classification: Uncertain significance. Last evaluated: 2025-01-21. Review status: criteria provided, single submitter. Criteria: GeneDx Variant Classification Process June 2021. Collection method: clinical testing. Allele origin: germline. Affected: yes.
Comment: Not observed at significant frequency in large population cohorts (gnomAD); In silico analysis supports that this missense variant has a deleterious effect on protein structure/function; Has not been previously published as pathogenic or benign to our knowledge

Clinical Genetics Laboratory, University Hospital Schleswig-Holstein
Classification: Uncertain significance for Developmental and epileptic encephalopathy, 62. Last evaluated: 2022-03-01. Review status: no assertion criteria provided. Collection method: clinical testing. Allele origin: germline. Affected: yes. Not counted in ClinVar's aggregate classification.

NM_006922.4(SCN3A):c.1298C>T (p.Ala433Val)

Gene: SCN3A (sodium voltage-gated channel alpha subunit 3; minus strand). Cytogenetic location: 2q24.3.
Variant type: single nucleotide variant.
Coding change: c.1298C>T on transcript NM_006922.4 (MANE Select); coding-DNA position 1298, C replaced by T.
Protein change: p.Ala433Val; replaces alanine 433 with valine.
Molecular consequence: missense variant.
Genome position (GRCh38, 1-based): chr2:165,154,534, G>A on the plus strand (C>T on the coding strand, the complement: SCN3A is on the minus strand). VCF-style: chr2-165154534-G-A. GRCh37 (hg19) VCF-style: chr2-166011044-G-A.
Other names: c.1298C>T, p.Ala433Val (NM_001081676.2, NM_001081677.2); c.1298C>T (NM_006922.3); short protein forms A433V.
Identifiers: ClinVar variation 1710215 (VCV001710215.3), dbSNP rs1230288121, ClinGen allele CA349238055.
Genomic context (GRCh38, chr2:165,154,534, plus strand): 5'-TTAAGCTGTTCGAGCATCTGCTGAAATTCGGCCTCTTTTTGTTCTGCTTCTTCCAAGGTG[G>A]CCTGATTCTGCTCCTCATAGGCCATGGCCACCACAGCCAGGATCAAATTCACCAAATAAA-3'
Protein context (NP_008853.3, residues 423-443): VAMAYEEQNQ[Ala433Val]TLEEAEQKEA